The following is an entry in ClinVar:

ClinVar aggregate classification (germline): Uncertain significance (1 of 4 stars; one submission).

Submission:

Ambry Genetics
Classification: Uncertain significance. Last evaluated: 2022-05-14. Review status: criteria provided, single submitter. Criteria: Ambry Variant Classification Scheme 2023. Collection method: clinical testing. Allele origin: germline.
Comment: The p.A525D variant (also known as c.1574C>A), located in coding exon 9 of the GALNT12 gene, results from a C to A substitution at nucleotide position 1574. The alanine at codon 525 is replaced by aspartic acid, an amino acid with dissimilar properties. This amino acid position is conserved. In addition, this alteration is predicted to be tolerated by in silico analysis. Since supporting evidence is limited at this time, the clinical significance of this alteration remains unclear.

NM_024642.5(GALNT12):c.1574C>A (p.Ala525Asp)

Gene: GALNT12 (polypeptide N-acetylgalactosaminyltransferase 12; plus strand). Cytogenetic location: 9q22.33.
Variant type: single nucleotide variant.
Coding change: c.1574C>A on transcript NM_024642.5 (MANE Select); coding-DNA position 1574, C replaced by A.
Protein change: p.Ala525Asp; replaces alanine 525 with aspartic acid.
Molecular consequence: missense variant.
Genome position (GRCh38, 1-based): chr9:98,846,092, C>A. VCF-style: chr9-98846092-C-A. GRCh37 (hg19) VCF-style: chr9-101608374-C-A.
Other names: short protein forms A525D.
Identifiers: ClinVar variation 1775552 (VCV001775552.2), dbSNP rs148647485, ClinGen allele CA374221842.